The following is an entry in ClinVar:

ClinVar aggregate classification (germline): Uncertain significance. Review status: criteria provided, multiple submitters, no conflicts (2 of 4 stars). 2 submissions from 2 submitters: Uncertain significance (2). Last evaluated 2026-03-31.

Conditions:
Inherited polyposis and early onset colorectal cancer - germline testing.
Hereditary nonpolyposis colorectal neoplasms. Identifiers: MedGen C0009405, MeSH D003123.

Allele frequency attached by ClinVar (database versions not stated): gnomAD exomes below 0.00001.

Submissions (2):

Genomics and Molecular Medicine Service, East Genomic Laboratory Hub, NHS Genomic Medicine Service
Classification: Uncertain significance for Inherited polyposis and early onset colorectal cancer - germline testing. Last evaluated: 2026-03-31. Review status: criteria provided, single submitter. Criteria: ACGS Best Practice Guidelines for Variant Classification in Rare Disease 2020. Collection method: clinical testing. Allele origin: germline. Affected: yes.
Comment: PM2_Supporting,PP3_Moderate

Labcorp Genetics (formerly Invitae), Labcorp
Classification: Uncertain significance for Hereditary nonpolyposis colorectal neoplasms. Last evaluated: 2025-08-17. Review status: criteria provided, single submitter. Criteria: Invitae Variant Classification Sherloc (09022015). Collection method: clinical testing. Allele origin: germline.
Comment: This sequence change replaces glutamic acid, which is acidic and polar, with glycine, which is neutral and non-polar, at codon 1272 of the MSH6 protein (p.Glu1272Gly). This variant is not present in population databases (gnomAD no frequency). This variant has not been reported in the literature in individuals affected with MSH6-related conditions. ClinVar contains an entry for this variant (Variation ID: 834374). Invitae Evidence Modeling of protein sequence and biophysical properties (such as structural, functional, and spatial information, amino acid conservation, physicochemical variation, residue mobility, and thermodynamic stability) indicates that this missense variant is not expected to disrupt MSH6 protein function with a negative predictive value of 95%. In summary, the available evidence is currently insufficient to determine the role of this variant in disease. Therefore, it has been classified as a Variant of Uncertain Significance.

NM_000179.3(MSH6):c.3815A>G (p.Glu1272Gly)

Gene: MSH6 (mutS homolog 6; plus strand). Cytogenetic location: 2p16.3.
Variant type: single nucleotide variant.
Coding change: c.3815A>G on transcript NM_000179.3 (MANE Select); coding-DNA position 3815, A replaced by G.
Protein change: p.Glu1272Gly; replaces glutamic acid 1272 with glycine.
Molecular consequence: missense variant.
Genome position (GRCh38, 1-based): chr2:47,806,465, A>G. VCF-style: chr2-47806465-A-G. GRCh37 (hg19) VCF-style: chr2-48033604-A-G.
Other names: c.3425A>G, p.Glu1142Gly (NM_001281492.2); c.2909A>G, p.Glu970Gly (NM_001281493.2, NM_001281494.2); short protein forms E1142G, E970G, E1272G.
Identifiers: ClinVar variation 834374 (VCV000834374.9), dbSNP rs1670092894, ClinGen allele CA346761237.